The following is an entry in ClinVar:

NM_006147.4(IRF6):c.1015A>G (p.Arg339Gly)

Gene: IRF6 (interferon regulatory factor 6; minus strand). Cytogenetic location: 1q32.2.
Variant type: single nucleotide variant.
Coding change: c.1015A>G on transcript NM_006147.4 (MANE Select); coding-DNA position 1015, A replaced by G.
Protein change: p.Arg339Gly; replaces arginine 339 with glycine.
Molecular consequence: missense variant.
Genome position (GRCh38, 1-based): chr1:209,790,540, T>C on the plus strand (A>G on the coding strand, the complement: IRF6 is on the minus strand). VCF-style: chr1-209790540-T-C. GRCh37 (hg19) VCF-style: chr1-209963885-T-C.
Other names: c.730A>G, p.Arg244Gly (NM_001206696.2); short protein forms R244G, R339G.
Identifiers: ClinVar variation 1305383 (VCV001305383.2), dbSNP rs2102536809, ClinGen allele CA344575263.

ClinVar aggregate classification (germline): Uncertain significance (1 of 4 stars; one submission).

Submission:

GeneDx
Classification: Uncertain significance. Last evaluated: 2019-04-16. Review status: criteria provided, single submitter. Criteria: GeneDx Variant Classification Process June 2021. Collection method: clinical testing. Allele origin: germline. Affected: yes.
Comment: Not observed in large population cohorts (Lek et al., 2016); In silico analysis, which includes protein predictors and evolutionary conservation, supports a deleterious effect; Has not been previously published as pathogenic or benign to our knowledge